The following is an entry in ClinVar:

ClinVar aggregate classification (germline): Uncertain significance (1 of 4 stars; one submission).

Conditions:
Hereditary cancer-predisposing syndrome. Also called: Tumor predisposition; Hereditary neoplastic syndrome; Neoplastic Syndromes, Hereditary; Hereditary Cancer Syndrome. Identifiers: Orphanet 140162, MedGen C0027672, MeSH D009386, MONDO:0015356.

Submission:

Ambry Genetics
Classification: Uncertain significance for Hereditary cancer-predisposing syndrome. Last evaluated: 2025-05-16. Review status: criteria provided, single submitter. Criteria: Ambry Variant Classification Scheme 2023. Collection method: clinical testing. Allele origin: germline.
Comment: The p.G598E variant (also known as c.1793G>A), located in coding exon 15 of the EGFR gene, results from a G to A substitution at nucleotide position 1793. The glycine at codon 598 is replaced by glutamic acid, an amino acid with similar properties. This amino acid position is highly conserved in available vertebrate species. In addition, this alteration is predicted to be deleterious by in silico analysis. Based on the available evidence, the clinical significance of this variant remains unclear.

NM_005228.5(EGFR):c.1793G>A (p.Gly598Glu)

Gene: EGFR (epidermal growth factor receptor; plus strand). Cytogenetic location: 7p11.2.
Variant type: single nucleotide variant.
Coding change: c.1793G>A on transcript NM_005228.5 (MANE Select); coding-DNA position 1793, G replaced by A.
Protein change: p.Gly598Glu; replaces glycine 598 with glutamic acid.
Molecular consequence: missense variant.
Genome position (GRCh38, 1-based): chr7:55,165,350, G>A. VCF-style: chr7-55165350-G-A. GRCh37 (hg19) VCF-style: chr7-55233043-G-A.
Other names: c.1658G>A, p.Gly553Glu (NM_001346897.2, NM_001346899.2); c.1793G>A, p.Gly598Glu (NM_001346898.2, NM_201282.2, NM_201284.2); c.1634G>A, p.Gly545Glu (NM_001346900.2); c.992G>A, p.Gly331Glu (NM_001346941.2); short protein forms G331E, G553E, G545E, G598E.
Identifiers: ClinVar variation 4016758 (VCV004016758.1).